The following is an entry in ClinVar:

ClinVar aggregate classification (germline): Likely benign. Review status: criteria provided, multiple submitters, no conflicts (2 of 4 stars). 2 submissions from 2 submitters: Likely benign (2). Last evaluated 2023-06-15.

Conditions:
Cardiomyopathy (CMYO). Also called: Cardiomyopathies. Identifiers: Orphanet 167848, MedGen C0878544, MONDO:0004994, HP:0001638. Inheritance: Various modes of inheritance.
Hypertrophic cardiomyopathy. Also called: HYPERTROPHIC MYOCARDIOPATHY. Identifiers: Orphanet 217569, MedGen C0007194, MeSH D002312, MONDO:0005045, HP:0001639.

Allele frequency attached by ClinVar (database versions not stated): gnomAD exomes below 0.00001.
gnomAD v4.1: 1 of 1,613,818 alleles (0.000062%); highest among the groups gnomAD compares: Admixed American, 0.0017%; no homozygotes.

Submissions (2):

All of Us Research Program, National Institutes of Health
Classification: Likely benign for Hypertrophic cardiomyopathy. Last evaluated: 2023-06-15. Review status: criteria provided, single submitter. Criteria: ACMG Guidelines, 2015. Collection method: clinical testing. Allele origin: germline. Inheritance: Autosomal dominant inheritance. Observed: 1 variant allele, 1 heterozygote.
Comment: This study involves interpretation of variants in research participants for the purpose of population health screening. Participant phenotype was not available at the time of variant classification. Additional details can be found in publication PMID: 35346344, PMCID: PMC8962531

Color Diagnostics, LLC DBA Color Health
Classification: Likely benign for Cardiomyopathy. Last evaluated: 2018-05-29. Review status: criteria provided, single submitter. Criteria: ACMG Guidelines, 2015. Collection method: clinical testing. Allele origin: germline.

NM_000256.3(MYBPC3):c.3723A>G (p.Arg1241=)

Gene: MYBPC3 (myosin binding protein C3; minus strand). Cytogenetic location: 11p11.2.
Variant type: single nucleotide variant.
Coding change: c.3723A>G on transcript NM_000256.3 (MANE Select); coding-DNA position 3723, A replaced by G.
Protein change: p.Arg1241=; no amino-acid change (arginine 1241 retained).
Molecular consequence: synonymous variant.
Genome position (GRCh38, 1-based): chr11:47,332,163, T>C on the plus strand (A>G on the coding strand, the complement: MYBPC3 is on the minus strand). VCF-style: chr11-47332163-T-C. GRCh37 (hg19) VCF-style: chr11-47353714-T-C.
Other names: c.3723A>G, p.Arg1241= (LRG_386t1).
Identifiers: ClinVar variation 628483 (VCV000628483.3), dbSNP rs1565622343, ClinGen allele CA474428859.
Genomic context (GRCh38, chr11:47,332,163, plus strand): 5'-CTCGCCCTGTAAGTTGGTGGCCCTGCAGACATAGATGCCCCCGTCAAAGGGGCAGGGCTT[T>C]CTAATCTCCAGAGTCAACACTCCCTGCTTGCTGAACATGCGGAAGCGGGCGTCTTCTCCC-3'
Protein context (NP_000247.2, residues 1231-1251): SKQGVLTLEI[Arg1241=]KPCPFDGGIY